The following is an entry in ClinVar:

NM_001349253.2(SCN11A):c.2726T>A (p.Val909Asp)

Gene: SCN11A (sodium voltage-gated channel alpha subunit 11; minus strand). Cytogenetic location: 3p22.2.
Variant type: single nucleotide variant.
Coding change: c.2726T>A on transcript NM_001349253.2 (MANE Select); coding-DNA position 2726, T replaced by A.
Protein change: p.Val909Asp; replaces valine 909 with aspartic acid.
Molecular consequence: missense variant.
Genome position (GRCh38, 1-based): chr3:38,894,642, A>T on the plus strand (T>A on the coding strand, the complement: SCN11A is on the minus strand). VCF-style: chr3-38894642-A-T. GRCh37 (hg19) VCF-style: chr3-38936133-A-T.
Other names: c.2726T>A, p.Val909Asp (NM_014139.3); short protein forms V909D.
Identifiers: ClinVar variation 4782845 (VCV004782845.1).
Genomic context (GRCh38, chr3:38,894,642, plus strand): 5'-GAAAATTCAACGTCATCTTCCTCCTCCGCAAGTGGTGCCAACCAAGTCCAATCATGCCTG[A>T]CGCCCAGGGTCTTTGGTACAGAGGTTAGTATACCAAGCTCCTCCTGGGTCTCTGAGCCCC-3'
Protein context (NP_001336182.1, residues 899-919): ILTSVPKTLG[Val909Asp]RHDWTWLAPL

ClinVar aggregate classification (germline): Uncertain significance (1 of 4 stars; one submission).

Conditions:
Familial episodic pain syndrome with predominantly lower limb involvement. Also called: Episodic pain syndrome, familial, 3. Identifiers: Orphanet 391384, Orphanet 391392, MedGen C3809899, MONDO:0014247, OMIM 615552.
Hereditary sensory and autonomic neuropathy type 7. Also called: HSAN VII; Neuropathy, hereditary sensory and autonomic, type VII. Identifiers: Orphanet 391397, MedGen C3809882, MONDO:0014244, OMIM 615548.

Submission:

Labcorp Genetics (formerly Invitae), Labcorp
Classification: Uncertain significance for Familial episodic pain syndrome with predominantly lower limb involvement; Hereditary sensory and autonomic neuropathy type 7. Last evaluated: 2025-02-10. Review status: criteria provided, single submitter. Criteria: Invitae Variant Classification Sherloc (09022015). Collection method: clinical testing. Allele origin: germline.
Comment: This sequence change replaces valine, which is neutral and non-polar, with aspartic acid, which is acidic and polar, at codon 909 of the SCN11A protein (p.Val909Asp). This variant is not present in population databases (gnomAD no frequency). This variant has not been reported in the literature in individuals affected with SCN11A-related conditions. Invitae Evidence Modeling of protein sequence and biophysical properties (such as structural, functional, and spatial information, amino acid conservation, physicochemical variation, residue mobility, and thermodynamic stability) indicates that this missense variant is not expected to disrupt SCN11A protein function with a negative predictive value of 80%. In summary, the available evidence is currently insufficient to determine the role of this variant in disease. Therefore, it has been classified as a Variant of Uncertain Significance.